The following is an entry in ClinVar:

NM_000395.3(CSF2RB):c.520G>A (p.Val174Ile)

Gene: CSF2RB (colony stimulating factor 2 receptor subunit beta; plus strand). Cytogenetic location: 22q12.3.
Variant type: single nucleotide variant.
Coding change: c.520G>A on transcript NM_000395.3 (MANE Select); coding-DNA position 520, G replaced by A.
Protein change: p.Val174Ile; replaces valine 174 with isoleucine.
Molecular consequence: missense variant.
Genome position (GRCh38, 1-based): chr22:36,929,530, G>A. VCF-style: chr22-36929530-G-A. GRCh37 (hg19) VCF-style: chr22-37325572-G-A.
Other names: c.520G>A, p.Val174Ile (NM_001410827.1); short protein forms V174I.
Identifiers: ClinVar variation 1718903 (VCV001718903.5), dbSNP rs1163015101, ClinGen allele CA411406029.

ClinVar aggregate classification (germline): Uncertain significance (1 of 4 stars; one submission).

Allele frequency attached by ClinVar (database versions not stated): gnomAD exomes below 0.00001.
gnomAD v4.1: 4 of 1,614,194 alleles (0.00025%); highest among the groups gnomAD compares: Non-Finnish European, 0.00034%; no homozygotes.

Submission:

Labcorp Genetics (formerly Invitae), Labcorp
Classification: Uncertain significance. Last evaluated: 2022-10-17. Review status: criteria provided, single submitter. Criteria: Invitae Variant Classification Sherloc (09022015). Collection method: clinical testing. Allele origin: germline.
Comment: Algorithms developed to predict the effect of sequence changes on RNA splicing suggest that this variant may create or strengthen a splice site. This sequence change replaces valine, which is neutral and non-polar, with isoleucine, which is neutral and non-polar, at codon 174 of the CSF2RB protein (p.Val174Ile). This variant is present in population databases (no rsID available, gnomAD 0.0009%). This variant has not been reported in the literature in individuals affected with CSF2RB-related conditions. Advanced modeling of protein sequence and biophysical properties (such as structural, functional, and spatial information, amino acid conservation, physicochemical variation, residue mobility, and thermodynamic stability) performed at Invitae indicates that this missense variant is expected to disrupt CSF2RB protein function. In summary, the available evidence is currently insufficient to determine the role of this variant in disease. Therefore, it has been classified as a Variant of Uncertain Significance.